The following is an entry in ClinVar:

NM_002691.4(POLD1):c.2944G>T (p.Val982Leu)

Gene: POLD1 (DNA polymerase delta 1, catalytic subunit; plus strand). Cytogenetic location: 19q13.33.
Variant type: single nucleotide variant.
Coding change: c.2944G>T on transcript NM_002691.4 (MANE Select); coding-DNA position 2944, G replaced by T.
Protein change: p.Val982Leu; replaces valine 982 with leucine.
Molecular consequence: missense variant. On other transcripts: non-coding transcript variant (1).
Genome position (GRCh38, 1-based): chr19:50,416,519, G>T. VCF-style: chr19-50416519-G-T. GRCh37 (hg19) VCF-style: chr19-50919776-G-T.
Other names: c.2944G>T, p.Val982Leu (NM_001256849.1); c.3022G>T, p.Val1008Leu (NM_001308632.1); short protein forms V982L, V1008L.
Identifiers: ClinVar variation 3664825 (VCV003664825.2).

ClinVar aggregate classification (germline): Uncertain significance (1 of 4 stars; one submission).

Conditions:
POLD1-related polyposis and colorectal cancer syndrome (CRCS10). Also called: Colorectal cancer 10; COLORECTAL CANCER, SUSCEPTIBILITY TO, ON CHROMOSOME 19q; Colorectal cancer, susceptibility to, 10. Identifiers: Orphanet 220460, MedGen C2675481, MONDO:0012953, OMIM 612591.

Submission:

Labcorp Genetics (formerly Invitae), Labcorp
Classification: Uncertain significance for POLD1-related polyposis and colorectal cancer syndrome. Last evaluated: 2025-01-20. Review status: criteria provided, single submitter. Criteria: Invitae Variant Classification Sherloc (09022015). Collection method: clinical testing. Allele origin: germline.
Comment: This sequence change replaces valine, which is neutral and non-polar, with leucine, which is neutral and non-polar, at codon 982 of the POLD1 protein (p.Val982Leu). This variant is not present in population databases (gnomAD no frequency). This variant has not been reported in the literature in individuals affected with POLD1-related conditions. Invitae Evidence Modeling of protein sequence and biophysical properties (such as structural, functional, and spatial information, amino acid conservation, physicochemical variation, residue mobility, and thermodynamic stability) indicates that this missense variant is not expected to disrupt POLD1 protein function with a negative predictive value of 80%. In summary, the available evidence is currently insufficient to determine the role of this variant in disease. Therefore, it has been classified as a Variant of Uncertain Significance.